The following is an entry in ClinVar:

ClinVar aggregate classification (germline): Pathogenic/Likely pathogenic. Review status: criteria provided, multiple submitters, no conflicts (2 of 4 stars). 6 submissions from 6 submitters: Pathogenic (2); Likely pathogenic (4). Last evaluated 2025-12-02.

Conditions:
CASQ2-related disorder. Also called: CASQ2-related condition.
Cardiovascular phenotype. Identifiers: MedGen CN230736.
Catecholaminergic polymorphic ventricular tachycardia 2. Also called: CASQ2-Related Catecholaminergic Polymorphic Ventricular Tachycardia; VENTRICULAR TACHYCARDIA, STRESS-INDUCED POLYMORPHIC 2. Identifiers: Orphanet 3286, MedGen C2677794, MONDO:0012762, OMIM 611938.
Catecholaminergic polymorphic ventricular tachycardia 1. Also called: VENTRICULAR TACHYCARDIA, CATECHOLAMINERGIC POLYMORPHIC, 1, WITH OR WITHOUT ATRIAL DYSFUNCTION AND/OR DILATED CARDIOMYOPATHY; RYR2-Related Catecholaminergic Polymorphic Ventricular Tachycardia; VENTRICULAR TACHYCARDIA, STRESS-INDUCED POLYMORPHIC 1. Identifiers: Orphanet 3286, MedGen C1631597, MONDO:0011484, OMIM 604772.

Allele frequency attached by ClinVar (database versions not stated): gnomAD exomes 0.00003; ExAC 0.00004; TOPMed 0.00006; ESP Exome Variant Server 0.00015.
gnomAD v4.1: 102 of 1,612,276 alleles (0.0063%); highest among the groups gnomAD compares: Non-Finnish European, 0.0079%; 1 homozygote.

Submissions (6):

GeneDx
Classification: Pathogenic. Last evaluated: 2025-12-02. Review status: criteria provided, single submitter. Criteria: GeneDx Variant Classification Process June 2021. Collection method: clinical testing. Allele origin: germline. Affected: yes.
Comment: Not observed at significant frequency in large population cohorts (gnomAD); Published in vitro functional studies suggest this variant results in loss of ion selectivity and alteration of surface charge distribution (PMID: 21265816); In silico analysis supports that this missense variant has a deleterious effect on protein structure/function; This variant is associated with the following publications: (PMID: 24025405, 27538377, 22553997, 18684293, 32693635, 34495297, 34257423, 21265816, 37995796)

Labcorp Genetics (formerly Invitae), Labcorp
Classification: Pathogenic for Catecholaminergic polymorphic ventricular tachycardia 1. Last evaluated: 2025-11-03. Review status: criteria provided, single submitter. Criteria: Invitae Variant Classification Sherloc (09022015). Collection method: clinical testing. Allele origin: germline.
Comment: This sequence change replaces proline, which is neutral and non-polar, with leucine, which is neutral and non-polar, at codon 308 of the CASQ2 protein (p.Pro308Leu). This variant is present in population databases (rs139228801, gnomAD 0.005%). This missense change has been observed in individual(s) with autosomal recessive catecholaminergic polymorphic ventricular tachycardia (PMID: 18684293, 22553997). In at least one individual the data is consistent with being in trans (on the opposite chromosome) from a pathogenic variant. ClinVar contains an entry for this variant (Variation ID: 190755). Invitae Evidence Modeling of protein sequence and biophysical properties (such as structural, functional, and spatial information, amino acid conservation, physicochemical variation, residue mobility, and thermodynamic stability) has been performed for this missense variant. However, the output from this modeling did not meet the statistical confidence thresholds required to predict the impact of this variant on CASQ2 protein function. Experimental studies have shown that this missense change affects CASQ2 function (PMID: 21265816). For these reasons, this variant has been classified as Pathogenic.

Fulgent Genetics
Classification: Likely pathogenic for Catecholaminergic polymorphic ventricular tachycardia 2. Last evaluated: 2024-06-15. Review status: criteria provided, single submitter. Criteria: ACMG Guidelines, 2015. Collection method: clinical testing. Allele origin: germline.

Blueprint Genetics
Classification: Likely pathogenic for CASQ2-related disorders. Last evaluated: 2023-10-31. Review status: criteria provided, single submitter. Criteria: ACMG Guidelines, 2015. Collection method: clinical testing. Allele origin: germline. Affected: yes. Observed: 5 variant alleles.

Ambry Genetics
Classification: Likely pathogenic for Cardiovascular phenotype. Last evaluated: 2023-08-15. Review status: criteria provided, single submitter. Criteria: Ambry Variant Classification Scheme 2023. Collection method: clinical testing. Allele origin: germline.
Comment: The p.P308L variant (also known as c.923C>T), located in coding exon 9 of the CASQ2 gene, results from a C to T substitution at nucleotide position 923. The proline at codon 308 is replaced by leucine, an amino acid with similar properties. This variant was previously detected in conjunction with another alteration in CASQ2 in a compound heterozygous individual with catecholaminergic polymorphic ventricular tachycardia (CPVT), and the occurrence of this variant was described as de novo (de la Fuente S et al. Pacing Clin Electrophysiol. 2008;31:916-9). In another study, this variant was reported in conjunction with a nonsense alteration in CASQ2 in a different individual with CPVT (Hong RA et al. Pacing Clin Electrophysiol. 2012;35:794-7). In functional in vitro analyses, this variant has demonstrated loss of selectivity to calcium and aggregation in the presence of magnesium (Bal NC et al. Biochem J. 2011;435:391-9). By internal structural analysis, this variant has been suggested to affect protein alignment and folding in the region (Ambry internal data). This variant is considered to be rare based on population cohorts in the Genome Aggregation Database (gnomAD). This amino acid position is highly conserved in available vertebrate species. In addition, this alteration is predicted to be deleterious by in silico analysis. Based on the majority of available evidence to date, this variant is likely to be pathogenic.

Genome-Nilou Lab
Classification: Likely pathogenic for Catecholaminergic polymorphic ventricular tachycardia 2. Last evaluated: 2023-04-11. Review status: criteria provided, single submitter. Criteria: ACMG Guidelines, 2015. Collection method: clinical testing. Allele origin: germline. Affected: no.

Literature cited by the submitters: PubMed 18684293 (cited by Labcorp Genetics (formerly Invitae), Labcorp and Ambry Genetics); PubMed 22553997 (cited by Labcorp Genetics (formerly Invitae), Labcorp and Ambry Genetics); PubMed 21265816 (cited by Labcorp Genetics (formerly Invitae), Labcorp and Ambry Genetics); PubMed 32693635 (cited by Ambry Genetics).

NM_001232.4(CASQ2):c.923C>T (p.Pro308Leu)

Gene: CASQ2 (calsequestrin 2; minus strand). Cytogenetic location: 1p13.1.
Variant type: single nucleotide variant.
Coding change: c.923C>T on transcript NM_001232.4 (MANE Select); coding-DNA position 923, C replaced by T.
Protein change: p.Pro308Leu; replaces proline 308 with leucine.
Molecular consequence: missense variant.
Genome position (GRCh38, 1-based): chr1:115,705,208, G>A on the plus strand (C>T on the coding strand, the complement: CASQ2 is on the minus strand). VCF-style: chr1-115705208-G-A. GRCh37 (hg19) VCF-style: chr1-116247829-G-A.
Other names: p.P308L:CCG>CTG; short protein forms P308L.
Identifiers: ClinVar variation 190755 (VCV000190755.21), dbSNP rs139228801, ClinGen allele CA301936.